The following is an entry in ClinVar:

NM_000465.4(BARD1):c.1768G>T (p.Val590Leu)

Gene: BARD1 (BRCA1 associated RING domain 1; minus strand). Cytogenetic location: 2q35.
Variant type: single nucleotide variant.
Coding change: c.1768G>T on transcript NM_000465.4 (MANE Select); coding-DNA position 1768, G replaced by T.
Protein change: p.Val590Leu; replaces valine 590 with leucine.
Molecular consequence: missense variant. On other transcripts: non-coding transcript variant (3), intron variant (1).
Genome position (GRCh38, 1-based): chr2:214,745,764, C>A on the plus strand (G>T on the coding strand, the complement: BARD1 is on the minus strand). VCF-style: chr2-214745764-C-A. GRCh37 (hg19) VCF-style: chr2-215610488-C-A.
Other names: c.1711G>T, p.Val571Leu (NM_001282543.2); c.415G>T, p.Val139Leu (NM_001282545.2); c.358G>T, p.Val120Leu (NM_001282548.2); c.365-15256G>T (NM_001282549.2); short protein forms V590L, V571L, V120L, V139L.
Identifiers: ClinVar variation 233205 (VCV000233205.5), dbSNP rs876660261, ClinGen allele CA10577784.

ClinVar aggregate classification (germline): Uncertain significance (1 of 4 stars; one submission).

Conditions:
Hereditary cancer-predisposing syndrome. Also called: Neoplastic Syndromes, Hereditary; Tumor predisposition; Hereditary Cancer Syndrome; Hereditary neoplastic syndrome. Identifiers: Orphanet 140162, MedGen C0027672, MeSH D009386, MONDO:0015356.

Submission:

Ambry Genetics
Classification: Uncertain significance for Hereditary cancer-predisposing syndrome. Last evaluated: 2021-11-24. Review status: criteria provided, single submitter. Criteria: Ambry Variant Classification Scheme 2023. Collection method: clinical testing. Allele origin: germline.
Comment: The p.V590L variant (also known as c.1768G>T), located in coding exon 8 of the BARD1 gene, results from a G to T substitution at nucleotide position 1768. The valine at codon 590 is replaced by leucine, an amino acid with highly similar properties. This amino acid position is poorly conserved in available vertebrate species. In addition, this alteration is predicted to be tolerated by in silico analysis. Since supporting evidence is limited at this time, the clinical significance of this alteration remains unclear.